The following is an entry in ClinVar:

NM_000478.6(ALPL):c.130C>T (p.Gln44Ter)

Gene: ALPL (alkaline phosphatase, biomineralization associated; plus strand). Cytogenetic location: 1p36.12.
Variant type: single nucleotide variant.
Coding change: c.130C>T on transcript NM_000478.6 (MANE Select); coding-DNA position 130, C replaced by T.
Protein change: p.Gln44Ter; replaces glutamine 44 with a stop codon.
Molecular consequence: nonsense. On other transcripts: 5 prime UTR variant (1), synonymous variant (1).
Genome position (GRCh38, 1-based): chr1:21,560,694, C>T. VCF-style: chr1-21560694-C-T. GRCh37 (hg19) VCF-style: chr1-21887187-C-T.
Other names: c.-36C>T (NM_001127501.4); c.15C>T, p.Phe5= (NM_001177520.3); c.130C>T, p.Gln44Ter (NM_001369803.2, NM_001369804.2, NM_001369805.2); short protein forms Q44*.
Identifiers: ClinVar variation 370178 (VCV000370178.13), dbSNP rs1057516293, ClinGen allele CA16040714.
Genomic context (GRCh38, chr1:21,560,694, plus strand): 5'-AAAGACCCCAAGTACTGGCGAGACCAAGCGCAAGAGACACTGAAATATGCCCTGGAGCTT[C>T]AGAAGCTCAACACCAACGTGGCTAAGAATGTCATCATGTTCCTGGGAGATGGTGAGGCCC-3'

ClinVar aggregate classification (germline): Pathogenic. Review status: criteria provided, multiple submitters, no conflicts (2 of 4 stars). 4 submissions from 4 submitters: Pathogenic (3). 1 of the submissions does not count toward it. Last evaluated 2026-03-10.

Conditions:
Infantile hypophosphatasia. Identifiers: Orphanet 247651, Orphanet 436, MedGen C0268412, MONDO:1010169, OMIM 241500, MONDO:0009427.
Hypophosphatasia. Also called: Phosphoethanol-aminuria. Identifiers: Orphanet 436, MedGen C0020630, MeSH D007014, MONDO:0018570.

Allele frequency attached by ClinVar (database versions not stated): gnomAD exomes below 0.00001.
gnomAD v4.1: 2 of 1,614,158 alleles (0.00012%); highest among the groups gnomAD compares: Non-Finnish European, 0.00017%; no homozygotes.

Submissions (4):

Women's Health and Genetics/Laboratory Corporation of America, LabCorp
Classification: Pathogenic for Hypophosphatasia. Last evaluated: 2026-03-10. Review status: criteria provided, single submitter. Criteria: LabCorp Variant Classification Summary - May 2015. Collection method: clinical testing. Allele origin: germline.
Comment: Variant summary: ALPL c.130C>T (p.Gln44X) results in a premature termination codon, predicted to cause a truncation of the encoded protein or absence of the protein due to nonsense mediated decay, which are commonly known mechanisms for disease. The variant was absent in 251464 control chromosomes. c.130C>T has been observed in individual(s) affected with Hypophosphatasia, including as a compound heterozygous and heterozygous genotype (e.g. ALPL Mutations Database, Shanjani-Yi_2022). These data indicate that the variant is likely associated with disease. To our knowledge, no experimental evidence demonstrating an impact on protein function has been reported. The following publication has been ascertained in the context of this evaluation (PMID: 35878747). ClinVar contains an entry for this variant (Variation ID: 370178). Based on the evidence outlined above, the variant was classified as pathogenic for Autosomal Dominant Hypophosphatasia and Autosomal Recessive Hypophosphatasia.

Genomenon, Inc
Classification: Pathogenic for Hypophosphatasia. Last evaluated: 2025-08-29. Review status: criteria provided, single submitter. Criteria: Genomenon Sequence Variant Interpretation Standards. Collection method: curation. Allele origin: germline. Affected: yes.
Comment: ALPL p.Gln44Ter (c.130C>T) is a nonsense variant that introduces a premature stop codon at amino acid position 44, creating a truncated protein that is predicted to undergo nonsense-mediated mRNA decay. This variant has been observed in at least one proband affected with hypophosphatasia (PMID:35878747;33442022). It is absent or not present at a significant frequency in gnomAD. In conclusion, we classify ALPL p.Gln44Ter (c.130C>T) as a pathogenic variant.

Labcorp Genetics (formerly Invitae), Labcorp
Classification: Pathogenic. Last evaluated: 2023-01-30. Review status: criteria provided, single submitter. Criteria: Invitae Variant Classification Sherloc (09022015). Collection method: clinical testing. Allele origin: germline.
Comment: For these reasons, this variant has been classified as Pathogenic. ClinVar contains an entry for this variant (Variation ID: 370178). This variant has not been reported in the literature in individuals affected with ALPL-related conditions. This variant is not present in population databases (gnomAD no frequency). This sequence change creates a premature translational stop signal (p.Gln44*) in the ALPL gene. It is expected to result in an absent or disrupted protein product. Loss-of-function variants in ALPL are known to be pathogenic (PMID: 3174660, 10679946, 32973344, 33814268).

Counsyl
Classification: Likely pathogenic for Infantile hypophosphatasia. Last evaluated: 2015-12-09. Review status: no assertion criteria provided. Collection method: clinical testing. Allele origin: unknown. Not counted in ClinVar's aggregate classification.

Literature cited by the submitters: PubMed 35878747 (cited by Women's Health and Genetics/Laboratory Corporation of America, LabCorp and Genomenon, Inc); PubMed 33442022 (cited by Genomenon, Inc); PubMed 3174660 (cited by Labcorp Genetics (formerly Invitae), Labcorp); PubMed 10679946 (cited by Labcorp Genetics (formerly Invitae), Labcorp); PubMed 32973344 (cited by Labcorp Genetics (formerly Invitae), Labcorp); PubMed 33814268 (cited by Labcorp Genetics (formerly Invitae), Labcorp).